The following is an entry in ClinVar:

NM_153240.5(NPHP3):c.151_152delinsTT (p.Ala51Leu)

Genes: NPHP3-AS1 (NPHP3 antisense RNA 1; plus strand), NPHP3 (nephrocystin 3; minus strand), NPHP3-ACAD11 (NPHP3-ACAD11 readthrough (NMD candidate); minus strand), LOC129937586 (ATAC-STARR-seq lymphoblastoid silent region 14743; plus strand). Cytogenetic location: 3q22.1.
Variant type: Indel.
Coding change: c.151_152delinsTT on transcript NM_153240.5 (MANE Select); coding-DNA positions 151 to 152, GC replaced by TT.
Protein change: p.Ala51Leu; replaces alanine 51 with leucine.
Molecular consequence: missense variant. On other transcripts: non-coding transcript variant (3).
Genome position (GRCh38, 1-based): chr3:132,722,204-132,722,205, GC replaced by AA on the plus strand (GC replaced by TT on the coding strand, the reverse complement: NPHP3 is on the minus strand). VCF-style: chr3-132722204-GC-AA. GRCh37 (hg19) VCF-style: chr3-132441048-GC-AA.
Other names: short protein forms A51L.
Identifiers: ClinVar variation 498043 (VCV000498043.12), dbSNP rs1553775776, ClinGen allele CA658796378.

ClinVar aggregate classification (germline): Uncertain significance. Review status: criteria provided, multiple submitters, no conflicts (2 of 4 stars). 3 submissions from 3 submitters: Uncertain significance (3). Last evaluated 2024-10-06.

Conditions:
Nephronophthisis. Also called: Juvenile Nephronophthisis. Identifiers: Orphanet 655, MedGen C0687120, MONDO:0019005, HP:0000090.

Submissions (3):

Labcorp Genetics (formerly Invitae), Labcorp
Classification: Uncertain significance for Nephronophthisis. Last evaluated: 2024-10-06. Review status: criteria provided, single submitter. Criteria: Invitae Variant Classification Sherloc (09022015). Collection method: clinical testing. Allele origin: germline.
Comment: This sequence change replaces alanine, which is neutral and non-polar, with leucine, which is neutral and non-polar, at codon 51 of the NPHP3 protein (p.Ala51Leu). This variant is present in population databases (no rsID available, gnomAD 0.005%). This variant has not been reported in the literature in individuals affected with NPHP3-related conditions. ClinVar contains an entry for this variant (Variation ID: 498043). An algorithm developed to predict the effect of missense changes on protein structure and function (PolyPhen-2) suggests that this variant¬†is likely to be tolerated. In summary, the available evidence is currently insufficient to determine the role of this variant in disease. Therefore, it has been classified as a Variant of Uncertain Significance.

GeneDx
Classification: Uncertain significance. Last evaluated: 2022-06-02. Review status: criteria provided, single submitter. Criteria: GeneDx Variant Classification Process June 2021. Collection method: clinical testing. Allele origin: germline. Affected: yes.
Comment: Not observed at significant frequency in large population cohorts (gnomAD); In silico analysis supports that this variant does not alter protein structure/function; Has not been previously published as pathogenic or benign to our knowledge

Eurofins Ntd Llc (ga)
Classification: Uncertain significance. Last evaluated: 2016-10-17. Review status: criteria provided, single submitter. Criteria: EGL Classification Definitions 2015. Collection method: clinical testing. Allele origin: germline. Observed: 1 variant allele, 1 heterozygote.